The following is an entry in ClinVar:

NM_000233.4(LHCGR):c.1669G>A (p.Glu557Lys)

Genes: LHCGR (luteinizing hormone/choriogonadotropin receptor; minus strand), STON1-GTF2A1L (STON1-GTF2A1L readthrough; plus strand). Cytogenetic location: 2p16.3.
Variant type: single nucleotide variant.
Coding change: c.1669G>A on transcript NM_000233.4 (MANE Select); coding-DNA position 1669, G replaced by A.
Protein change: p.Glu557Lys; replaces glutamic acid 557 with lysine.
Molecular consequence: missense variant. On other transcripts: intron variant (1).
Genome position (GRCh38, 1-based): chr2:48,688,128, C>T on the plus strand (G>A on the coding strand, the complement: LHCGR is on the minus strand). VCF-style: chr2-48688128-C-T. GRCh37 (hg19) VCF-style: chr2-48915267-C-T.
Other names: c.3441+16448C>T (NM_001198593.2); short protein forms E557K.
Identifiers: ClinVar variation 336460 (VCV000336460.11), dbSNP rs146785679, ClinGen allele CA1653004.
Genomic context (GRCh38, chr2:48,688,128, plus strand): 5'-TGAAGATGAGGATTGCCATTTTCTTAGCAATCTTTGTATCTTTATTGGTAGCCATTAATT[C>T]TGGGTTTCGAACTGCAAAATAAATTTTAATGTAGCAAGCACAAATTATGAAGAAGGCCAC-3'
Protein context (NP_000224.2, residues 547-567): IKIYFAVRNP[Glu557Lys]LMATNKDTKI

ClinVar aggregate classification (germline): Benign/Likely benign. Review status: criteria provided, multiple submitters, no conflicts (2 of 4 stars). 4 submissions from 4 submitters: Benign (3); Likely benign (1). Last evaluated 2025-10-01.

Conditions:
Gonadotropin-independent familial sexual precocity. Also called: TESTOTOXICOSIS, FAMILIAL; Familial male-limited precocious puberty. Identifiers: Orphanet 3000, MedGen C0342549, MONDO:0008303, OMIM 176410.
Leydig cell agenesis. Also called: LEYDIG CELL HYPOPLASIA WITH MALE PSEUDOHERMAPHRODITISM; LEYDIG CELL HYPOPLASIA, COMPLETE; HYPERGONADOTROPIC HYPOGONADISM, MALE, DUE TO LHCGR DEFECT; Leydig cell hypoplasia, type 1. Identifiers: MedGen C0266432, MONDO:0009384, OMIM 238320.

Allele frequency attached by ClinVar (database versions not stated): gnomAD 0.00005; TOPMed 0.00009; ESP Exome Variant Server 0.00015; gnomAD exomes 0.00151; ExAC 0.00171; 1000 Genomes Project 30x 0.00344; 1000 Genomes Project 0.00399.
gnomAD v4.1: 1,121 of 1,614,068 alleles (0.069%); highest among the groups gnomAD compares: South Asian, 1.1%; 12 homozygotes.

Submissions (4):

Labcorp Genetics (formerly Invitae), Labcorp
Classification: Benign. Last evaluated: 2025-10-01. Review status: criteria provided, single submitter. Criteria: Invitae Variant Classification Sherloc (09022015). Collection method: clinical testing. Allele origin: germline.

Fulgent Genetics
Classification: Benign for Gonadotropin-independent familial sexual precocity; Leydig cell agenesis. Last evaluated: 2021-07-24. Review status: criteria provided, single submitter. Criteria: ACMG Guidelines, 2015. Collection method: clinical testing. Allele origin: unknown.

GeneDx
Classification: Likely benign. Last evaluated: 2020-07-09. Review status: criteria provided, single submitter. Criteria: GeneDx Variant Classification Process June 2021. Collection method: clinical testing. Allele origin: germline. Affected: yes.

Illumina Laboratory Services, Illumina
Classification: Benign for Gonadotropin-independent familial sexual precocity. Last evaluated: 2018-01-13. Review status: criteria provided, single submitter. Criteria: ICSL Variant Classification Criteria 13 December 2019. Collection method: clinical testing. Allele origin: germline.
Comment: This variant was observed in the ICSL laboratory as part of a predisposition screen in an ostensibly healthy population. It had not been previously curated by ICSL or reported in the Human Gene Mutation Database (HGMD: prior to June 1st, 2018), and was therefore a candidate for classification through an automated scoring system. Utilizing variant allele frequency, disease prevalence and penetrance estimates, and inheritance mode, an automated score was calculated to assess if this variant is too frequent to cause the disease. Based on the score and internal cut-off values, a variant classified as benign is not then subjected to further curation. The score for this variant resulted in a classification of benign for this disease.